The following is an entry in ClinVar:

ClinVar aggregate classification (germline): Uncertain significance. Review status: criteria provided, multiple submitters, no conflicts (2 of 4 stars). 2 submissions from 2 submitters: Uncertain significance (2). Last evaluated 2023-04-26.

Conditions:
Hereditary cancer-predisposing syndrome. Also called: Neoplastic Syndromes, Hereditary; Hereditary neoplastic syndrome; Tumor predisposition; Hereditary Cancer Syndrome. Identifiers: Orphanet 140162, MedGen C0027672, MeSH D009386, MONDO:0015356.
Microcephaly, normal intelligence and immunodeficiency (NBS). Also called: Immunodeficiency, microcephaly with normal intelligence; Ataxia telangiectasia variant V1; IMMUNODEFICIENCY, MICROCEPHALY, AND CHROMOSOMAL INSTABILITY; BERLIN BREAKAGE SYNDROME; SEEMANOVA SYNDROME II; Nijmegen breakage syndrome. Identifiers: Orphanet 647, MedGen C0398791, MONDO:0009623, OMIM 251260.

Submissions (2):

Ambry Genetics
Classification: Uncertain significance for Hereditary cancer-predisposing syndrome. Last evaluated: 2023-04-26. Review status: criteria provided, single submitter. Criteria: Ambry Variant Classification Scheme 2023. Collection method: clinical testing. Allele origin: germline.
Comment: The p.N414S variant (also known as c.1241A>G), located in coding exon 10 of the NBN gene, results from an A to G substitution at nucleotide position 1241. The asparagine at codon 414 is replaced by serine, an amino acid with highly similar properties. This amino acid position is not well conserved in available vertebrate species. In addition, this alteration is predicted to be tolerated by in silico analysis. Since supporting evidence is limited at this time, the clinical significance of this alteration remains unclear.

Labcorp Genetics (formerly Invitae), Labcorp
Classification: Uncertain significance for Microcephaly, normal intelligence and immunodeficiency. Last evaluated: 2022-07-21. Review status: criteria provided, single submitter. Criteria: Invitae Variant Classification Sherloc (09022015). Collection method: clinical testing. Allele origin: germline.
Comment: This sequence change replaces asparagine, which is neutral and polar, with serine, which is neutral and polar, at codon 414 of the NBN protein (p.Asn414Ser). This variant is not present in population databases (gnomAD no frequency). This variant has not been reported in the literature in individuals affected with NBN-related conditions. ClinVar contains an entry for this variant (Variation ID: 530722). Algorithms developed to predict the effect of missense changes on protein structure and function output the following: SIFT: "Tolerated"; PolyPhen-2: "Benign"; Align-GVGD: "Class C0". The serine amino acid residue is found in multiple mammalian species, which suggests that this missense change does not adversely affect protein function. In summary, the available evidence is currently insufficient to determine the role of this variant in disease. Therefore, it has been classified as a Variant of Uncertain Significance.

NM_002485.5(NBN):c.1241A>G (p.Asn414Ser)

Gene: NBN (nibrin; minus strand). Cytogenetic location: 8q21.3.
Variant type: single nucleotide variant.
Coding change: c.1241A>G on transcript NM_002485.5 (MANE Select); coding-DNA position 1241, A replaced by G.
Protein change: p.Asn414Ser; replaces asparagine 414 with serine.
Molecular consequence: missense variant.
Genome position (GRCh38, 1-based): chr8:89,955,439, T>C on the plus strand (A>G on the coding strand, the complement: NBN is on the minus strand). VCF-style: chr8-89955439-T-C. GRCh37 (hg19) VCF-style: chr8-90967667-T-C.
Other names: c.995A>G, p.Asn332Ser (NM_001024688.3); short protein forms N414S, N332S.
Identifiers: ClinVar variation 530722 (VCV000530722.7), dbSNP rs1554559235, ClinGen allele CA371656286.